The following is an entry in ClinVar:

ClinVar aggregate classification (germline): Benign/Likely benign. Review status: criteria provided, multiple submitters, no conflicts (2 of 4 stars). 5 submissions from 5 submitters: Benign (2); Likely benign (3). Last evaluated 2026-04-24.

Conditions:
Colorectal cancer, susceptibility to, 1. Also called: COLORECTAL ADENOMA AND CANCER, SUSCEPTIBILITY TO; COLORECTAL CANCER, SUSCEPTIBILITY TO, ON CHROMOSOME 9. Identifiers: MedGen C1837315, MONDO:0012132, OMIM 608812.

Allele frequency attached by ClinVar (database versions not stated): gnomAD 0.00004 and 0.00002; ExAC 0.00010; ESP Exome Variant Server 0.00008; gnomAD exomes 0.00011 and 0.00005; TOPMed 0.00002; 1000 Genomes Project 30x 0.00016; 1000 Genomes Project 0.00020.
gnomAD v4.1: 82 of 1,614,144 alleles (0.0051%); highest among the groups gnomAD compares: East Asian, 0.16%; 1 homozygote.

Submissions (5):

Myriad Genetics, Inc.
Classification: Benign for Colorectal cancer, susceptibility to, 1. Last evaluated: 2026-04-24. Review status: criteria provided, single submitter. Criteria: Myriad Autosomal Dominant, Autosomal Recessive and X-Linked Classification Criteria (2023). Collection method: clinical testing. Allele origin: unknown.
Comment: This variant is considered benign. This variant is a silent/synonymous amino acid change and it is not expected to impact splicing.

Labcorp Genetics (formerly Invitae), Labcorp
Classification: Likely benign. Last evaluated: 2026-01-12. Review status: criteria provided, single submitter. Criteria: Invitae Variant Classification Sherloc (09022015). Collection method: clinical testing. Allele origin: germline.

Department of Pathology and Laboratory Medicine, Sinai Health System
Classification: Likely benign for Colorectal cancer, susceptibility to, 1. Last evaluated: 2023-11-05. Review status: criteria provided, single submitter. Criteria: ACMG Guidelines, 2015. Collection method: clinical testing. Allele origin: germline.

Quest Diagnostics Nichols Institute San Juan Capistrano
Classification: Benign. Last evaluated: 2022-10-27. Review status: criteria provided, single submitter. Criteria: Quest Diagnostics criteria. Collection method: clinical testing. Allele origin: unknown.

Ambry Genetics
Classification: Likely benign. Last evaluated: 2018-01-19. Review status: criteria provided, single submitter. Criteria: Ambry Variant Classification Scheme 2023. Collection method: clinical testing. Allele origin: germline.

NM_024642.5(GALNT12):c.831C>T (p.Gly277=)

Gene: GALNT12 (polypeptide N-acetylgalactosaminyltransferase 12; plus strand). Cytogenetic location: 9q22.33.
Variant type: single nucleotide variant.
Coding change: c.831C>T on transcript NM_024642.5 (MANE Select); coding-DNA position 831, C replaced by T.
Protein change: p.Gly277=; no amino-acid change (glycine 277 retained).
Molecular consequence: synonymous variant.
Genome position (GRCh38, 1-based): chr9:98,831,871, C>T. VCF-style: chr9-98831871-C-T. GRCh37 (hg19) VCF-style: chr9-101594153-C-T.
Identifiers: ClinVar variation 485667 (VCV000485667.19), dbSNP rs145133746, ClinGen allele CA5154069.